The following is an entry in ClinVar:

ClinVar aggregate classification (germline): Uncertain significance. Review status: criteria provided, multiple submitters, no conflicts (2 of 4 stars). 2 submissions from 2 submitters: Uncertain significance (2). Last evaluated 2025-01-29.

Conditions:
Spastic paraplegia. Identifiers: MedGen C0037772, HP:0001258.
Hereditary spastic paraplegia. Also called: Familial spastic paraparesis. Identifiers: Orphanet 685, MedGen C0037773, MONDO:0019064. Disease mechanism: loss of function.

Allele frequency attached by ClinVar (database versions not stated): TOPMed below 0.00001; ExAC 0.00001; gnomAD 0.00001; gnomAD exomes 0.00001.
gnomAD v4.1: 15 of 1,603,406 alleles (0.00094%); highest among the groups gnomAD compares: Non-Finnish European, 0.0011%; no homozygotes.

Submissions (2):

Labcorp Genetics (formerly Invitae), Labcorp
Classification: Uncertain significance for Spastic paraplegia. Last evaluated: 2025-01-29. Review status: criteria provided, single submitter. Criteria: Invitae Variant Classification Sherloc (09022015). Collection method: clinical testing. Allele origin: germline.
Comment: This sequence change replaces arginine, which is basic and polar, with cysteine, which is neutral and slightly polar, at codon 85 of the RTN2 protein (p.Arg85Cys). This variant is present in population databases (rs751101450, gnomAD 0.006%). This variant has not been reported in the literature in individuals affected with RTN2-related conditions. This missense change has been observed in at least one individual who was not affected with RTN2-related conditions (internal data). ClinVar contains an entry for this variant (Variation ID: 1343965). An algorithm developed to predict the effect of missense changes on protein structure and function (PolyPhen-2) suggests that this variant is likely to be disruptive. In summary, the available evidence is currently insufficient to determine the role of this variant in disease. Therefore, it has been classified as a Variant of Uncertain Significance.

Genome Diagnostics Laboratory, The Hospital for Sick Children
Classification: Uncertain significance for Hereditary spastic paraplegia. Last evaluated: 2020-10-19. Review status: criteria provided, single submitter. Criteria: ACMG Guidelines, 2015. Collection method: clinical testing. Allele origin: germline. Affected: yes.

NM_005619.5(RTN2):c.253C>T (p.Arg85Cys)

Genes: OPA3-RTN2 (OPA3-RTN2 readthrough; minus strand), RTN2 (reticulon 2; minus strand). Cytogenetic location: 19q13.32.
Variant type: single nucleotide variant.
Coding change: c.253C>T on transcript NM_005619.5 (MANE Select); coding-DNA position 253, C replaced by T.
Protein change: p.Arg85Cys; replaces arginine 85 with cysteine.
Molecular consequence: missense variant.
Genome position (GRCh38, 1-based): chr19:45,494,832, G>A on the plus strand (C>T on the coding strand, the complement: RTN2 is on the minus strand). VCF-style: chr19-45494832-G-A. GRCh37 (hg19) VCF-style: chr19-45998090-G-A.
Other names: c.253C>T, p.Arg85Cys (NM_206900.3); short protein forms R85C.
Identifiers: ClinVar variation 1343965 (VCV001343965.8), dbSNP rs751101450, ClinGen allele CA9516303.
Genomic context (GRCh38, chr19:45,494,832, plus strand): 5'-GGCTGGGCTGAGGGTGCTGGTCTCGTGGTTCCGAGACTGAGCGGCCCTGGGGGCGGGGGC[G>A]GCGGGCAGTTGAATCCCTGCGGCCCCCGGAGCCCACTACACCATCAAAGGCGATGTAGGA-3'
Protein context (NP_005610.1, residues 75-95): SGGRRDSTAR[Arg85Cys]PRPQGRSVSE